The following is an entry in ClinVar:

ClinVar aggregate classification (germline): Uncertain significance (1 of 4 stars; one submission).

Conditions:
Gorlin syndrome. Also called: Nevoid Basal Cell Carcinoma Syndrome; Basal cell nevus syndrome. Identifiers: Orphanet 377, MedGen C0004779, MONDO:0007187.
Medulloblastoma (MDB). Also called: MEDULLOBLASTOMA PREDISPOSITION SYNDROME; Medulloblastoma, somatic. Identifiers: Orphanet 616, MedGen C0025149, MeSH D008527, MONDO:0007959, OMIM 155255, HP:0002885.

Submission:

Labcorp Genetics (formerly Invitae), Labcorp
Classification: Uncertain significance for Gorlin syndrome; Medulloblastoma. Last evaluated: 2025-08-28. Review status: criteria provided, single submitter. Criteria: Invitae Variant Classification Sherloc (09022015). Collection method: clinical testing. Allele origin: germline.
Comment: This sequence change replaces alanine, which is neutral and non-polar, with valine, which is neutral and non-polar, at codon 379 of the SUFU protein (p.Ala379Val). This variant is not present in population databases (gnomAD no frequency). This variant has not been reported in the literature in individuals affected with SUFU-related conditions. Invitae Evidence Modeling of protein sequence and biophysical properties (such as structural, functional, and spatial information, amino acid conservation, physicochemical variation, residue mobility, and thermodynamic stability) indicates that this missense variant is not expected to disrupt SUFU protein function with a negative predictive value of 80%. In summary, the available evidence is currently insufficient to determine the role of this variant in disease. Therefore, it has been classified as a Variant of Uncertain Significance.

NM_016169.4(SUFU):c.1136C>T (p.Ala379Val)

Gene: SUFU (SUFU negative regulator of hedgehog signaling; plus strand). Cytogenetic location: 10q24.32.
Variant type: single nucleotide variant.
Coding change: c.1136C>T on transcript NM_016169.4 (MANE Select); coding-DNA position 1136, C replaced by T.
Protein change: p.Ala379Val; replaces alanine 379 with valine.
Molecular consequence: missense variant.
Genome position (GRCh38, 1-based): chr10:102,615,381, C>T. VCF-style: chr10-102615381-C-T. GRCh37 (hg19) VCF-style: chr10-104375138-C-T.
Other names: c.1136C>T, p.Ala379Val (NM_001178133.2); short protein forms A379V.
Identifiers: ClinVar variation 4783327 (VCV004783327.1).